The following is an entry in ClinVar:

ClinVar aggregate classification (germline): Uncertain significance. Review status: criteria provided, multiple submitters, no conflicts (2 of 4 stars). 3 submissions from 3 submitters: Uncertain significance (3). Last evaluated 2024-05-06.

Conditions:
Autosomal dominant Parkinson disease 8. Also called: Parkinson disease 8; Parkinson disease 8, susceptibility to; LRRK2-Related Parkinson Disease. Identifiers: Orphanet 411602, MedGen C1846862, MONDO:0011764, OMIM 607060.
Inborn genetic diseases. Identifiers: MedGen C0950123, MeSH D030342.

Allele frequency attached by ClinVar (database versions not stated): TOPMed 0.00001; gnomAD 0.00003 and 0.00004; ExAC 0.00004; gnomAD exomes 0.00007.
gnomAD v4.1: 47 of 1,613,286 alleles (0.0029%); highest among the groups gnomAD compares: Admixed American, 0.0017%; no homozygotes.

Submissions (3):

Labcorp Genetics (formerly Invitae), Labcorp
Classification: Uncertain significance for Autosomal dominant Parkinson disease 8. Last evaluated: 2024-05-06. Review status: criteria provided, single submitter. Criteria: Invitae Variant Classification Sherloc (09022015). Collection method: clinical testing. Allele origin: germline.
Comment: This sequence change replaces arginine, which is basic and polar, with tryptophan, which is neutral and slightly polar, at codon 1199 of the LRRK2 protein (p.Arg1199Trp). This variant is present in population databases (rs746433333, gnomAD 0.07%), and has an allele count higher than expected for a pathogenic variant. This variant has not been reported in the literature in individuals affected with LRRK2-related conditions. ClinVar contains an entry for this variant (Variation ID: 1439609). Advanced modeling of protein sequence and biophysical properties (such as structural, functional, and spatial information, amino acid conservation, physicochemical variation, residue mobility, and thermodynamic stability) has been performed at Invitae for this missense variant, however the output from this modeling did not meet the statistical confidence thresholds required to predict the impact of this variant on LRRK2 protein function. In summary, the available evidence is currently insufficient to determine the role of this variant in disease. Therefore, it has been classified as a Variant of Uncertain Significance.

Fulgent Genetics
Classification: Uncertain significance for Autosomal dominant Parkinson disease 8. Last evaluated: 2024-03-14. Review status: criteria provided, single submitter. Criteria: ACMG Guidelines, 2015. Collection method: clinical testing. Allele origin: germline.

Ambry Genetics
Classification: Uncertain significance for Inborn genetic diseases. Last evaluated: 2023-10-12. Review status: criteria provided, single submitter. Criteria: Ambry Variant Classification Scheme 2023. Collection method: clinical testing. Allele origin: germline.
Comment: The p.R1199W variant (also known as c.3595C>T), located in coding exon 27 of the LRRK2 gene, results from a C to T substitution at nucleotide position 3595. The arginine at codon 1199 is replaced by tryptophan, an amino acid with dissimilar properties. This amino acid position is conserved. In addition, the in silico prediction for this alteration is inconclusive. Since supporting evidence is limited at this time, the clinical significance of this alteration remains unclear.

NM_198578.4(LRRK2):c.3595C>T (p.Arg1199Trp)

Gene: LRRK2 (leucine rich repeat kinase 2; plus strand). Cytogenetic location: 12q12.
Variant type: single nucleotide variant.
Coding change: c.3595C>T on transcript NM_198578.4 (MANE Select); coding-DNA position 3595, C replaced by T.
Protein change: p.Arg1199Trp; replaces arginine 1199 with tryptophan.
Molecular consequence: missense variant.
Genome position (GRCh38, 1-based): chr12:40,303,952, C>T. VCF-style: chr12-40303952-C-T. GRCh37 (hg19) VCF-style: chr12-40697754-C-T.
Other names: short protein forms R1199W.
Identifiers: ClinVar variation 1439609 (VCV001439609.12), dbSNP rs746433333, ClinGen allele CA6513963.
Genomic context (GRCh38, chr12:40,303,952, plus strand): 5'-TTCATGTATTTTGGAAATACTCATTTGGTTTATGTCTTTTCTGTGTATTGTTTTAGCTTG[C>T]GGTCTTTAGATATGAGCAGCAATGATATTCAGTACCTACCAGGTCCCGCACACTGGAAAT-3'
Protein context (NP_940980.4, residues 1189-1209): PEAILNLPHL[Arg1199Trp]SLDMSSNDIQ